The following is an entry in ClinVar:

NM_012233.3(RAB3GAP1):c.2131G>A (p.Glu711Lys)

Gene: RAB3GAP1 (RAB3 GTPase activating protein catalytic subunit 1; plus strand). Cytogenetic location: 2q21.3.
Variant type: single nucleotide variant.
Coding change: c.2131G>A on transcript NM_012233.3 (MANE Select); coding-DNA position 2131, G replaced by A.
Protein change: p.Glu711Lys; replaces glutamic acid 711 with lysine.
Molecular consequence: missense variant.
Genome position (GRCh38, 1-based): chr2:135,153,718, G>A. VCF-style: chr2-135153718-G-A. GRCh37 (hg19) VCF-style: chr2-135911288-G-A.
Other names: c.2131G>A, p.Glu711Lys (NM_001172435.2); c.2131G>A (NM_012233.2); short protein forms E711K.
Identifiers: ClinVar variation 2123820 (VCV002123820.5), dbSNP rs947301423, ClinGen allele CA56579993.
Genomic context (GRCh38, chr2:135,153,718, plus strand): 5'-CCAGGTTGCTCCCTGGAAGATTTTGTGAGGTGGTATTCACCCCGGGATTATATTGAAGAG[G>A]AGGTGATTGATGAAAAGGGCAATGTGGTGCTGAAAGGAGAACTGAGTGCCCGGATGAAGA-3'
Protein context (NP_036365.1, residues 701-721): WYSPRDYIEE[Glu711Lys]VIDEKGNVVL

ClinVar aggregate classification (germline): Uncertain significance. Review status: criteria provided, multiple submitters, no conflicts (2 of 4 stars). 2 submissions from 2 submitters: Uncertain significance (2). Last evaluated 2024-03-19.

Conditions:
Inborn genetic diseases. Identifiers: MedGen C0950123, MeSH D030342.

Allele frequency attached by ClinVar (database versions not stated): gnomAD 0.00001; gnomAD exomes 0.00001.
gnomAD v4.1: 18 of 1,613,944 alleles (0.0011%); highest among the groups gnomAD compares: African/African-American, 0.0067%; no homozygotes.

Submissions (2):

Ambry Genetics
Classification: Uncertain significance for Inborn genetic diseases. Last evaluated: 2024-03-19. Review status: criteria provided, single submitter. Criteria: Ambry Variant Classification Scheme 2023. Collection method: clinical testing. Allele origin: germline.

Labcorp Genetics (formerly Invitae), Labcorp
Classification: Uncertain significance. Last evaluated: 2023-07-10. Review status: criteria provided, single submitter. Criteria: Invitae Variant Classification Sherloc (09022015). Collection method: clinical testing. Allele origin: germline.
Comment: In summary, the available evidence is currently insufficient to determine the role of this variant in disease. Therefore, it has been classified as a Variant of Uncertain Significance. Advanced modeling of protein sequence and biophysical properties (such as structural, functional, and spatial information, amino acid conservation, physicochemical variation, residue mobility, and thermodynamic stability) performed at Invitae indicates that this missense variant is not expected to disrupt RAB3GAP1 protein function. ClinVar contains an entry for this variant (Variation ID: 2123820). This variant has not been reported in the literature in individuals affected with RAB3GAP1-related conditions. This variant is present in population databases (no rsID available, gnomAD 0.01%). This sequence change replaces glutamic acid, which is acidic and polar, with lysine, which is basic and polar, at codon 711 of the RAB3GAP1 protein (p.Glu711Lys).